The following is an entry in ClinVar:

ClinVar aggregate classification (germline): Likely pathogenic (1 of 4 stars; one submission).

Conditions:
Finnish congenital nephrotic syndrome (NPHS1). Also called: NEPHROTIC SYNDROME, TYPE 1. Identifiers: Orphanet 839, MedGen C0403399, MONDO:0009732, OMIM 256300.

Submission:

Natera, Inc.
Classification: Likely pathogenic for Finnish congenital nephrotic syndrome. Last evaluated: 2025-12-23. Review status: criteria provided, single submitter. Criteria: Natera Variant Classification Schema (03/2026). Collection method: clinical testing. Allele origin: germline.
Comment: The c.2428del variant in NPHS1 is a frameshift variant predicted to shift the reading frame beginning at codon 810 and leads to a stop codon 37 codons downstream. This variant is expected to result in nonsense mediated decay, truncation, or a dysfunctional protein product. This variant is rare in the general population with a frequency below the threshold expected for the associated phenotype(s). Given the available evidence, this variant is classified as Likely Pathogenic.

NM_004646.4(NPHS1):c.2428del (p.Gln810fs)

Gene: NPHS1 (NPHS1 adhesion molecule, nephrin; minus strand). Cytogenetic location: 19q13.12.
Variant type: Deletion.
Coding change: c.2428del on transcript NM_004646.4 (MANE Select); coding-DNA position 2428, one base deleted (C; older notation c.2428delC).
Protein change: p.Gln810fs; shifts the reading frame from glutamine 810.
Molecular consequence: frameshift variant.
Genome position (GRCh38, 1-based): chr19:35,842,457, G deleted on the plus strand (C on the coding strand, the reverse complement: NPHS1 is on the minus strand); the first of 3 consecutive G bases (chr19:35,842,457-35,842,459); deleting any one gives the same sequence. VCF-style (leftmost placement, unchanged base first): chr19-35842456-TG-T. GRCh37 (hg19) VCF-style: chr19-36333358-TG-T.
Other names: c.2426delC, p.Gln810Argfs (NM_004646.3); short protein forms Q810fs.
Identifiers: ClinVar variation 4815384 (VCV004815384.1).